The following is an entry in ClinVar:

NM_022455.5(NSD1):c.3167_3168del (p.Leu1056fs)

Gene: NSD1 (nuclear receptor binding SET domain protein 1; plus strand). Cytogenetic location: 5q35.3.
Variant type: Deletion.
Coding change: c.3167_3168del on transcript NM_022455.5 (MANE Select); coding-DNA positions 3167 to 3168, 2 bases deleted (TG; older notation c.3167_3168delTG).
Protein change: p.Leu1056fs; shifts the reading frame from leucine 1056.
Molecular consequence: frameshift variant.
Genome position (GRCh38, 1-based): chr5:177,211,566-177,211,567, TG deleted. VCF-style (leftmost placement, unchanged base first): chr5-177211565-CTG-C. GRCh37 (hg19) VCF-style: chr5-176638566-CTG-C.
Other names: c.2294_2295del, p.Leu765fs (NM_001365684.2, NM_172349.5, NM_001409306.1 and 3 more transcripts); c.3167_3168del, p.Leu1056fs (NM_001409301.1, NM_001409302.1, NM_001409303.1); c.2747_2748del, p.Leu916fs (NM_001409304.1); c.2414_2415del, p.Leu805fs (NM_001409305.1); short protein forms L1056fs, L765fs, L805fs, L916fs.
Identifiers: ClinVar variation 3671625 (VCV003671625.2).

ClinVar aggregate classification (germline): Pathogenic (1 of 4 stars; one submission).

Submission:

Labcorp Genetics (formerly Invitae), Labcorp
Classification: Pathogenic. Last evaluated: 2023-08-17. Review status: criteria provided, single submitter. Criteria: Invitae Variant Classification Sherloc (09022015). Collection method: clinical testing. Allele origin: germline.
Comment: This variant has not been reported in the literature in individuals affected with NSD1-related conditions. For these reasons, this variant has been classified as Pathogenic. This variant is not present in population databases (gnomAD no frequency). This sequence change creates a premature translational stop signal (p.Leu1056Glnfs*9) in the NSD1 gene. It is expected to result in an absent or disrupted protein product. Loss-of-function variants in NSD1 are known to be pathogenic (PMID: 12464997, 14571271, 15942875, 16247291).

Literature cited by the submitters: PubMed 12464997; PubMed 14571271; PubMed 15942875; PubMed 16247291.